The following is an entry in ClinVar:

NM_001386393.1(PANK2):c.25C>T (p.Arg9Ter)

Genes: PANK2 (pantothenate kinase 2; plus strand), LOC130065345 (ATAC-STARR-seq lymphoblastoid silent region 12635; plus strand). Cytogenetic location: 20p13.
Variant type: single nucleotide variant.
Coding change: c.25C>T on transcript NM_001386393.1 (MANE Select); coding-DNA position 25, C replaced by T.
Protein change: p.Arg9Ter; replaces arginine 9 with a stop codon.
Molecular consequence: nonsense. On other transcripts: 5 prime UTR variant (1), non-coding transcript variant (1), intron variant (1).
Genome position (GRCh38, 1-based): chr20:3,889,455, C>T. VCF-style: chr20-3889455-C-T. GRCh37 (hg19) VCF-style: chr20-3870102-C-T.
Other names: c.-687C>T (NM_001324191.2); c.355C>T, p.Arg119Ter (NM_001324192.1, NM_153638.4); c.-246+551C>T (NM_024960.6); short protein forms R119*, R9*.
Identifiers: ClinVar variation 946074 (VCV000946074.11), dbSNP rs944348405, ClinGen allele CA408140718.

ClinVar aggregate classification (germline): Uncertain significance. Review status: criteria provided, single submitter (1 of 4 stars). 3 submissions from 3 submitters: Uncertain significance (1). 2 of the submissions do not count toward it. Last evaluated 2021-07-14.

Conditions:
Pigmentary pallidal degeneration (NBIA1). Also called: Pantothenate Kinase-Associated Neurodegeneration; Neurodegeneration with brain iron accumulation 1; HARP SYNDROME; Neuroaxonal dystrophy, late infantile; Hallervorden-Spatz disease; PKAN NEUROAXONAL DYSTROPHY, JUVENILE-ONSET. Identifiers: Orphanet 157850, MedGen C0018523, MONDO:0009319, OMIM 234200.

Allele frequency attached by ClinVar (database versions not stated): gnomAD 0.00001; TOPMed 0.00001.
gnomAD v4.1: 5 of 1,547,206 alleles (0.00032%); highest among the groups gnomAD compares: Non-Finnish European, 0.00043%; no homozygotes.

Submissions (3):

Labcorp Genetics (formerly Invitae), Labcorp
Classification: Uncertain significance for Pigmentary pallidal degeneration. Last evaluated: 2021-07-14. Review status: criteria provided, single submitter. Criteria: Invitae Variant Classification Sherloc (09022015). Collection method: clinical testing. Allele origin: germline.
Comment: This sequence change creates a premature translational stop signal (p.Arg119*) in the PANK2 gene. However, it is currently unclear if variants that occur in this region of the gene cause disease. The frequency data for this variant in the population databases is considered unreliable, as metrics indicate insufficient coverage at this position in the ExAC database. This variant has not been reported in the literature in individuals affected with PANK2-related conditions. In summary, the available evidence is currently insufficient to determine the role of this variant in disease. Therefore, it has been classified as a Variant of Uncertain Significance.

Clinical Genetics DNA and cytogenetics Diagnostics Lab, Erasmus MC, Erasmus Medical Center
Classification: Pathogenic. Review status: no assertion criteria provided. Collection method: clinical testing. Allele origin: germline. Affected: yes. Study: VKGL Data-share Consensus. Not counted in ClinVar's aggregate classification.

Diagnostic Laboratory, Department of Genetics, University Medical Center Groningen
Classification: Pathogenic. Review status: no assertion criteria provided. Collection method: clinical testing. Allele origin: germline. Affected: yes. Study: VKGL Data-share Consensus. Not counted in ClinVar's aggregate classification.